The following is an entry in ClinVar:

ClinVar aggregate classification (germline): Pathogenic. Review status: criteria provided, multiple submitters, no conflicts (2 of 4 stars). 3 submissions from 3 submitters: Pathogenic (3). Last evaluated 2024-05-12.

Conditions:
Familial cancer of breast. Also called: Hereditary breast cancer; BREAST CANCER, FAMILIAL; hereditary breast carcinoma. Identifiers: Orphanet 227535, MedGen C0346153, MONDO:0016419, OMIM 114480. Disease mechanism: loss of function.

Submissions (3):

Labcorp Genetics (formerly Invitae), Labcorp
Classification: Pathogenic for Familial cancer of breast. Last evaluated: 2024-05-12. Review status: criteria provided, single submitter. Criteria: Invitae Variant Classification Sherloc (09022015). Collection method: clinical testing. Allele origin: germline.
Comment: This sequence change creates a premature translational stop signal (p.Ile730Glnfs*11) in the PALB2 gene. It is expected to result in an absent or disrupted protein product. Loss-of-function variants in PALB2 are known to be pathogenic (PMID: 17200668, 17200671, 17200672, 24136930, 25099575). This variant is not present in population databases (gnomAD no frequency). This variant has not been reported in the literature in individuals affected with PALB2-related conditions. For these reasons, this variant has been classified as Pathogenic.

GeneDx
Classification: Pathogenic. Last evaluated: 2023-10-10. Review status: criteria provided, single submitter. Criteria: GeneDx Variant Classification Process June 2021. Collection method: clinical testing. Allele origin: germline. Affected: yes.
Comment: Frameshift variant predicted to result in protein truncation or nonsense mediated decay in a gene for which loss-of-function is a known mechanism of disease; Not observed at significant frequency in large population cohorts (gnomAD); Truncating variants in this gene are considered pathogenic by a well-established clinical consortium and/or database; Has not been previously published as pathogenic or benign to our knowledge

Myriad Genetics, Inc.
Classification: Pathogenic for Familial cancer of breast. Last evaluated: 2023-09-12. Review status: criteria provided, single submitter. Criteria: Myriad Autosomal Dominant, Autosomal Recessive and X-Linked Classification Criteria (2023). Collection method: clinical testing. Allele origin: unknown.
Comment: This variant is considered pathogenic. This variant creates a frameshift predicted to result in premature protein truncation.

Literature cited by the submitters: PubMed 17200668 (cited by Labcorp Genetics (formerly Invitae), Labcorp); PubMed 17200671 (cited by Labcorp Genetics (formerly Invitae), Labcorp); PubMed 17200672 (cited by Labcorp Genetics (formerly Invitae), Labcorp); PubMed 24136930 (cited by Labcorp Genetics (formerly Invitae), Labcorp); PubMed 25099575 (cited by Labcorp Genetics (formerly Invitae), Labcorp).

NM_024675.4(PALB2):c.2161_2186dup (p.Ile730fs)

Gene: PALB2 (partner and localizer of BRCA2; minus strand). Cytogenetic location: 16p12.2.
Variant type: Duplication.
Coding change: c.2161_2186dup on transcript NM_024675.4 (MANE Select); coding-DNA positions 2161 to 2186, 26 bases duplicated (ACAGACATGTGTTCACCTGCTTTCCC).
Protein change: p.Ile730fs; shifts the reading frame from isoleucine 730.
Molecular consequence: frameshift variant. On other transcripts: intron variant (1).
Genome position (GRCh38, 1-based): chr16:23,629,968-23,629,993, GGGAAAGCAGGTGAACACATGTCTGT duplicated on the plus strand (ACAGACATGTGTTCACCTGCTTTCCC on the coding strand, the reverse complement: PALB2 is on the minus strand); duplicating any 26 consecutive bases within chr16:23,629,968-23,629,995 gives the same sequence; the c. name uses the placement nearest the transcript's 3' end. VCF-style (leftmost placement, unchanged base first): chr16-23629967-G-GGGGAAAGCAGGTGAACACATGTCTGT. GRCh37 (hg19) VCF-style: chr16-23641288-G-GGGGAAAGCAGGTGAACACATGTCTGT.
Other names: c.2101_2126dup, p.Ile710fs (NM_001407296.1); c.2161_2186dup, p.Ile730fs (NM_001407297.1, NM_001407298.1, NM_001407299.1 and 3 more transcripts); c.1276_1301dup, p.Ile435fs (NM_001407304.1, NM_001407305.1, NM_001407306.1 and 5 more transcripts); c.373_398dup, p.Ile134fs (NM_001407312.1, NM_001407313.1); c.49-718_49-693dup (NM_001407314.1); c.2161_2186dup (NM_024675.3); short protein forms I134fs, I435fs, I710fs, I730fs.
Identifiers: ClinVar variation 2674058 (VCV002674058.4), dbSNP rs2506418535, ClinGen allele CA2695197490.
Genomic context (GRCh38, chr16:23,629,967, plus strand): 5'-TTCTGTAGATGCTTTTTCATAGGAGCCTTGAGGGCCAAAGGCTGGAGTAGTACCTAAGAT[G>GGGGAAAGCAGGTGAACACATGTCTGT]GGGAAAGCAGGTGAACACATGTCTGTGGTAGGCCTGTCATTATCATCAGGCGCAACCGTA-3'